The following is an entry in ClinVar:

NM_000503.6(EYA1):c.1684C>G (p.Gln562Glu)

Gene: EYA1 (EYA transcriptional coactivator and phosphatase 1; minus strand). Cytogenetic location: 8q13.3.
Variant type: single nucleotide variant.
Coding change: c.1684C>G on transcript NM_000503.6 (MANE Select); coding-DNA position 1684, C replaced by G.
Protein change: p.Gln562Glu; replaces glutamine 562 with glutamic acid.
Molecular consequence: missense variant.
Genome position (GRCh38, 1-based): chr8:71,211,170, G>C on the plus strand (C>G on the coding strand, the complement: EYA1 is on the minus strand). VCF-style: chr8-71211170-G-C. GRCh37 (hg19) VCF-style: chr8-72123405-G-C.
Other names: c.1666C>G, p.Gln556Glu (NM_001288574.2, NM_172059.5); c.1318C>G, p.Gln440Glu (NM_001288575.2); c.1771C>G, p.Gln591Glu (NM_001370333.1); c.1684C>G, p.Gln562Glu (NM_001370334.1, NM_001370335.1, NM_172058.4); c.1663C>G, p.Gln555Glu (NM_001370336.1); c.1585C>G, p.Gln529Glu (NM_001411797.1, NM_172060.4); short protein forms Q556E, Q591E, Q529E, Q555E, Q440E, Q562E.
Identifiers: ClinVar variation 4980812 (VCV004980812.1).
Genomic context (GRCh38, chr8:71,211,170, plus strand): 5'-ACTGAAAAAACAAATGAGACAAGATGCACCATCTAGGAATGCTCACCTTTTTTGCTCCTT[G>C]TTCTTCTTCTACACCATCTCCTATAACAACATACACCACTTTTCTTCCAAACCTTTGAAT-3'
Protein context (NP_000494.2, residues 552-572): VVIGDGVEEE[Gln562Glu]GAKKHAMPFW

ClinVar aggregate classification (germline): Uncertain significance (1 of 4 stars; one submission).

Conditions:
EYA1-related disorder. Also called: EYA1-related condition.

gnomAD v4.1: 11 of 1,610,922 alleles (0.00068%); highest among the groups gnomAD compares: East Asian, 0.0022%; no homozygotes.

Submission:

PreventionGenetics, part of Exact Sciences
Classification: Uncertain significance for EYA1-related condition. Last evaluated: 2025-07-31. Review status: criteria provided, single submitter. Criteria: ACMG Guidelines, 2015. Collection method: clinical testing. Allele origin: germline.
Comment: The EYA1 c.1684C>G variant is predicted to result in the amino acid substitution p.Gln562Glu. To our knowledge, this variant has not been reported in the literature. This variant is reported in 0.0065% of alleles in individuals of European (Non-Finnish) descent in gnomAD. At this time, the clinical significance of this variant is uncertain due to the absence of conclusive functional and genetic evidence.